The following is an entry in ClinVar:

NM_001170629.2(CHD8):c.1443dup (p.Arg482fs)

Gene: CHD8 (chromodomain helicase DNA binding protein 8; minus strand). Cytogenetic location: 14q11.2.
Variant type: Duplication.
Coding change: c.1443dup on transcript NM_001170629.2 (MANE Select); coding-DNA position 1443, one base duplicated (T; older notation c.1443dupT).
Protein change: p.Arg482fs; shifts the reading frame from arginine 482.
Molecular consequence: frameshift variant.
Genome position (GRCh38, 1-based): chr14:21,428,027, A duplicated on the plus strand (T on the coding strand, the reverse complement: CHD8 is on the minus strand). VCF-style (leftmost placement, unchanged base first): chr14-21428026-G-GA. GRCh37 (hg19) VCF-style: chr14-21896185-G-GA.
Other names: c.606dup, p.Arg203fs (NM_020920.4); short protein forms R203fs, R482fs.
Identifiers: ClinVar variation 5019837 (VCV005019837.2).

ClinVar aggregate classification (germline): Pathogenic (1 of 4 stars; one submission).

Conditions:
Intellectual developmental disorder with autism and macrocephaly. Also called: Autism, susceptibility to, 18; CHD8-Related Neurodevelopmental Disorder with Overgrowth. Identifiers: Orphanet 642675, MedGen C3554373, MONDO:0014017, OMIM 615032.

Submission:

Juno Genomics, Hangzhou Juno Genomics, Inc
Classification: Pathogenic for Intellectual developmental disorder with autism and macrocephaly. Review status: criteria provided, single submitter. Criteria: ACMG Guidelines, 2015. Collection method: clinical testing. Allele origin: germline.
Comment: Absent from controls (or at extremely low frequency if recessive) in Genome Aggregation Database.;Null variant in a gene where loss of function (LOF) is a known mechanism of disease.;Patient's phenotype or family history is highly specific for a disease with a single genetic etiology.